The following is an entry in ClinVar:

NM_004287.5(GOSR2):c.350C>T (p.Thr117Ile)

Genes: GOSR2 (golgi SNAP receptor complex member 2; plus strand), LRRC37A2 (leucine rich repeat containing 37 member A2). Cytogenetic location: 17q21.32.
Variant type: single nucleotide variant.
Coding change: c.350C>T on transcript NM_004287.5 (MANE Select); coding-DNA position 350, C replaced by T.
Protein change: p.Thr117Ile; replaces threonine 117 with isoleucine.
Molecular consequence: missense variant. On other transcripts: non-coding transcript variant (1), intron variant (4).
Genome position (GRCh38, 1-based): chr17:46,935,042, C>T. VCF-style: chr17-46935042-C-T. GRCh37 (hg19) VCF-style: chr17-45012408-C-T.
Other names: c.350C>T, p.Thr117Ile (NM_001012511.3, NM_001321133.2, NM_054022.4); c.347C>T, p.Thr116Ile (NM_001353114.2); c.296C>T, p.Thr99Ile (NM_001363851.2); c.282+2843C>T (NM_001321134.2); c.336+2843C>T (NM_001330252.2); c.333+2843C>T (NM_001353115.2, NM_001353116.2); short protein forms T116I, T99I, T117I.
Identifiers: ClinVar variation 656929 (VCV000656929.6), dbSNP rs1599019391, ClinGen allele CA400017939.

ClinVar aggregate classification (germline): Uncertain significance. Review status: criteria provided, multiple submitters, no conflicts (2 of 4 stars). 2 submissions from 2 submitters: Uncertain significance (2). Last evaluated 2026-05-01.

Conditions:
Progressive myoclonic epilepsy. Also called: Familial progressive myoclonic epilepsy; Myoclonic Epilepsies, Progressive; Progressive myoclonus epilepsy; Myoclonus epilepsy. Identifiers: Orphanet 308, Orphanet 98261, MedGen C0751778, MONDO:0020074.

Submissions (2):

CeGaT Center for Human Genetics Tuebingen
Classification: Uncertain significance. Last evaluated: 2026-05-01. Review status: criteria provided, single submitter. Criteria: CeGaT Center For Human Genetics Tuebingen Variant Classification Criteria Version 2. Collection method: clinical testing. Allele origin: germline. Affected: yes. Observed: 1 variant allele.
Comment: GOSR2: PM2

Labcorp Genetics (formerly Invitae), Labcorp
Classification: Uncertain significance for Progressive myoclonic epilepsy. Last evaluated: 2021-08-28. Review status: criteria provided, single submitter. Criteria: Invitae Variant Classification Sherloc (09022015). Collection method: clinical testing. Allele origin: germline.